The following is an entry in ClinVar:

ClinVar aggregate classification (germline): Uncertain significance. Review status: criteria provided, multiple submitters, no conflicts (2 of 4 stars). 4 submissions from 4 submitters: Uncertain significance (4). Last evaluated 2026-08-20.

Conditions:
Primary familial hypertrophic cardiomyopathy (HCM). Identifiers: Orphanet 99739, MedGen C0949658, MeSH D024741, MONDO:0024573. Inheritance: Various modes of inheritance.
Inborn genetic diseases. Identifiers: MedGen C0950123, MeSH D030342.
Cardiovascular phenotype. Identifiers: MedGen CN230736.

Allele frequency attached by ClinVar (database versions not stated): ExAC 0.00010; gnomAD exomes 0.00014; ESP Exome Variant Server 0.00023.

Submissions (4):

Petrovsky National Research Centre of Surgery, The Federal Agency for Scientific Organizations
Classification: Uncertain significance for Primary familial hypertrophic cardiomyopathy. Last evaluated: 2026-08-20. Review status: criteria provided, single submitter. Criteria: ACMG Guidelines, 2015. Collection method: research. Allele origin: unknown. Inheritance: Autosomal recessive inheritance. Affected: yes. Observed: 1 variant allele, 1 heterozygote.
Comment: Clinvar (VCV002526644.5) contains 3 entries for this variant. This variant is in The Genome Aggregation Database (gnomAD) v4.1.0 with total AF=0.0001308 (Date of access 18-08-2026). Computational evidence suggests deleterious effect: REVEL score=0.848>0.7 (PP3). In accordance with ACMG(2015) criteria this variant is classified as Variant of Uncertain Significance (VUS) with following criteria selected: PP3.

Ambry Genetics
Classification: Uncertain significance for Inborn genetic diseases. Last evaluated: 2025-11-20. Review status: criteria provided, single submitter. Criteria: Ambry Variant Classification Scheme 2023. Collection method: clinical testing. Allele origin: germline.

Molecular Diagnostic Laboratory for Inherited Cardiovascular Disease, Montreal Heart Institute
Classification: Uncertain significance for Cardiovascular phenotype. Last evaluated: 2025-04-09. Review status: criteria provided, single submitter. Criteria: ACMG Guidelines, 2015. Collection method: clinical testing. Allele origin: germline. Affected: yes.
Comment: PM2, PP3

Clinical Genomics Laboratory, Stanford Medicine
Classification: Uncertain significance for Primary familial hypertrophic cardiomyopathy. Last evaluated: 2021-04-01. Review status: criteria provided, single submitter. Criteria: ACMG Guidelines, 2015. Collection method: clinical testing. Allele origin: germline. Affected: yes. Observed: 1 heterozygote.
Comment: The p.Arg74His variant in the TRIM63 gene has not been previously reported in association with disease. This variant has been identified in 7/30,466 South Asian chromosomes by the Genome Aggregation Database. Computational tools predict that the p.Arg74His variant is deleterious; however, the accuracy of in silico algorithms is limited. These data were assessed using the ACMG/AMP variant interpretation guidelines. In summary, the significance of the p.Arg74His variant is uncertain. [ACMG evidence codes used: PP3]

NM_032588.4(TRIM63):c.221G>A (p.Arg74His)

Gene: TRIM63 (tripartite motif containing 63; minus strand). Cytogenetic location: 1p36.11.
Variant type: single nucleotide variant.
Coding change: c.221G>A on transcript NM_032588.4 (MANE Select); coding-DNA position 221, G replaced by A.
Protein change: p.Arg74His; replaces arginine 74 with histidine.
Molecular consequence: missense variant.
Genome position (GRCh38, 1-based): chr1:26,066,379, C>T on the plus strand (G>A on the coding strand, the complement: TRIM63 is on the minus strand). VCF-style: chr1-26066379-C-T. GRCh37 (hg19) VCF-style: chr1-26392870-C-T.
Other names: p.Arg74His; short protein forms R74H.
Identifiers: ClinVar variation 2526644 (VCV002526644.6), dbSNP rs142710853, ClinGen allele CA699744.